The following is an entry in ClinVar:

ClinVar aggregate classification (germline): Uncertain significance (1 of 4 stars; one submission).

Conditions:
Fanconi anemia (FA). Also called: Fanconi's anemia. Identifiers: Orphanet 84, MedGen C0015625, MeSH D005199, MONDO:0019391.

Submission:

Labcorp Genetics (formerly Invitae), Labcorp
Classification: Uncertain significance for Fanconi anemia. Last evaluated: 2021-03-02. Review status: criteria provided, single submitter. Criteria: Invitae Variant Classification Sherloc (09022015). Collection method: clinical testing. Allele origin: germline.
Comment: This sequence change replaces glutamine with histidine at codon 1190 of the FANCA protein (p.Gln1190His). The glutamine residue is moderately conserved and there is a small physicochemical difference between glutamine and histidine. This variant is not present in population databases (ExAC no frequency). This variant has not been reported in the literature in individuals with FANCA-related conditions. Advanced modeling of protein sequence and biophysical properties (such as structural, functional, and spatial information, amino acid conservation, physicochemical variation, residue mobility, and thermodynamic stability) performed at Invitae indicates that this missense variant is not expected to disrupt FANCA protein function. In summary, the available evidence is currently insufficient to determine the role of this variant in disease. Therefore, it has been classified as a Variant of Uncertain Significance.

NM_000135.4(FANCA):c.3570G>C (p.Gln1190His)

Gene: FANCA (FA complementation group A; minus strand). Cytogenetic location: 16q24.3.
Variant type: single nucleotide variant.
Coding change: c.3570G>C on transcript NM_000135.4 (MANE Select); coding-DNA position 3570, G replaced by C.
Protein change: p.Gln1190His; replaces glutamine 1190 with histidine.
Molecular consequence: missense variant.
Genome position (GRCh38, 1-based): chr16:89,745,015, C>G on the plus strand (G>C on the coding strand, the complement: FANCA is on the minus strand). VCF-style: chr16-89745015-C-G. GRCh37 (hg19) VCF-style: chr16-89811423-C-G.
Other names: c.3570G>C, p.Gln1190His (NM_001286167.3); short protein forms Q1190H.
Identifiers: ClinVar variation 1518734 (VCV001518734.8), dbSNP rs1382222104, ClinGen allele CA397485682.